The following is an entry in ClinVar:

ClinVar aggregate classification (germline): Likely benign (0 of 4 stars; one submission).

Conditions:
SMOC1-related disorder. Also called: SMOC1-related condition.

Allele frequency attached by ClinVar (database versions not stated): TOPMed 0.00001; gnomAD 0.00003; ExAC 0.00005; gnomAD exomes 0.00007.
gnomAD v4.1: 101 of 1,611,860 alleles (0.0063%); highest among the groups gnomAD compares: Non-Finnish European, 0.0083%; no homozygotes.

Submission:

PreventionGenetics, part of Exact Sciences
Classification: Likely benign for SMOC1-related condition. Last evaluated: 2023-07-27. Review status: no assertion criteria provided. Collection method: clinical testing. Allele origin: germline.
Comment: This variant is classified as likely benign based on ACMG/AMP sequence variant interpretation guidelines (Richards et al. 2015 PMID: 25741868, with internal and published modifications).

NM_001034852.3(SMOC1):c.857+10C>A

Genes: SMOC1 (SPARC related modular calcium binding 1; plus strand), LOC126861980 (MED14-independent group 3 enhancer GRCh37_chr14:70477330-70478529; plus strand). Cytogenetic location: 14q24.2.
Variant type: single nucleotide variant.
Coding change: c.857+10C>A on transcript NM_001034852.3 (MANE Select); 10 bases into the intron after coding-DNA position 857, C replaced by A.
Molecular consequence: intron variant.
Genome position (GRCh38, 1-based): chr14:70,010,956, C>A. VCF-style: chr14-70010956-C-A. GRCh37 (hg19) VCF-style: chr14-70477673-C-A.
Other names: c.857+10C>A (NM_022137.6).
Identifiers: ClinVar variation 3032615 (VCV003032615.2), dbSNP rs753303001, ClinGen allele CA7246597.